The following is an entry in ClinVar:

ClinVar aggregate classification (germline): Uncertain significance. Review status: criteria provided, multiple submitters, no conflicts (2 of 4 stars). 2 submissions from 2 submitters: Uncertain significance (2). Last evaluated 2022-04-08.

Allele frequency attached by ClinVar (database versions not stated): ExAC 0.00001; gnomAD 0.00001; gnomAD exomes 0.00001 and 0.00002; TOPMed 0.00002.
gnomAD v4.1: 15 of 1,613,246 alleles (0.00093%); highest among the groups gnomAD compares: African/African-American, 0.0053%; no homozygotes.

Submissions (2):

Blueprint Genetics
Classification: Uncertain significance. Last evaluated: 2022-04-08. Review status: criteria provided, single submitter. Criteria: ACMG Guidelines, 2015. Collection method: clinical testing. Allele origin: germline.

Labcorp Genetics (formerly Invitae), Labcorp
Classification: Uncertain significance. Last evaluated: 2021-02-10. Review status: criteria provided, single submitter. Criteria: Invitae Variant Classification Sherloc (09022015). Collection method: clinical testing. Allele origin: germline.
Comment: This sequence change replaces tyrosine with cysteine at codon 1646 of the CUL7 protein (p.Tyr1646Cys). The tyrosine residue is highly conserved and there is a large physicochemical difference between tyrosine and cysteine. This variant is present in population databases (rs202213462, ExAC 0.01%). This variant has not been reported in the literature in individuals with CUL7-related conditions. Algorithms developed to predict the effect of missense changes on protein structure and function (SIFT, PolyPhen-2, Align-GVGD) all suggest that this variant is likely to be disruptive, but these predictions have not been confirmed by published functional studies and their clinical significance is uncertain. In summary, the available evidence is currently insufficient to determine the role of this variant in disease. Therefore, it has been classified as a Variant of Uncertain Significance.

NM_014780.5(CUL7):c.4937A>G (p.Tyr1646Cys)

Gene: CUL7 (cullin 7; minus strand). Cytogenetic location: 6p21.1.
Variant type: single nucleotide variant.
Coding change: c.4937A>G on transcript NM_014780.5 (MANE Select); coding-DNA position 4937, A replaced by G.
Protein change: p.Tyr1646Cys; replaces tyrosine 1646 with cysteine.
Molecular consequence: missense variant.
Genome position (GRCh38, 1-based): chr6:43,037,848, T>C on the plus strand (A>G on the coding strand, the complement: CUL7 is on the minus strand). VCF-style: chr6-43037848-T-C. GRCh37 (hg19) VCF-style: chr6-43005586-T-C.
Other names: c.5033A>G, p.Tyr1678Cys (NM_001168370.2, NM_001374872.1); c.4949A>G, p.Tyr1650Cys (NM_001374873.1); c.4934A>G, p.Tyr1645Cys (NM_001374874.1); short protein forms Y1645C, Y1646C, Y1650C, Y1678C.
Identifiers: ClinVar variation 1443447 (VCV001443447.8), dbSNP rs202213462, ClinGen allele CA3813071.